The following is an entry in ClinVar:

ClinVar aggregate classification (germline): Uncertain significance (1 of 4 stars; one submission).

Conditions:
Juvenile polyposis syndrome (JPS). Identifiers: Orphanet 2929, MedGen C0345893, MONDO:0017380, OMIM 174900.

Submission:

Labcorp Genetics (formerly Invitae), Labcorp
Classification: Uncertain significance for Juvenile polyposis syndrome. Last evaluated: 2025-03-31. Review status: criteria provided, single submitter. Criteria: Invitae Variant Classification Sherloc (09022015). Collection method: clinical testing. Allele origin: germline.
Comment: This sequence change replaces glutamine, which is neutral and polar, with arginine, which is basic and polar, at codon 132 of the BMPR1A protein (p.Gln132Arg). This variant is not present in population databases (gnomAD no frequency). This variant has not been reported in the literature in individuals affected with BMPR1A-related conditions. Invitae Evidence Modeling of protein sequence and biophysical properties (such as structural, functional, and spatial information, amino acid conservation, physicochemical variation, residue mobility, and thermodynamic stability) indicates that this missense variant is not expected to disrupt BMPR1A protein function with a negative predictive value of 80%. In summary, the available evidence is currently insufficient to determine the role of this variant in disease. Therefore, it has been classified as a Variant of Uncertain Significance.

NM_004329.3(BMPR1A):c.395A>G (p.Gln132Arg)

Gene: BMPR1A (bone morphogenetic protein receptor type 1A; plus strand). Cytogenetic location: 10q23.2.
Variant type: single nucleotide variant.
Coding change: c.395A>G on transcript NM_004329.3 (MANE Select); coding-DNA position 395, A replaced by G.
Protein change: p.Gln132Arg; replaces glutamine 132 with arginine.
Molecular consequence: missense variant. On other transcripts: non-coding transcript variant (3), intron variant (1).
Genome position (GRCh38, 1-based): chr10:86,899,855, A>G. VCF-style: chr10-86899855-A-G. GRCh37 (hg19) VCF-style: chr10-88659612-A-G.
Other names: c.395A>G, p.Gln132Arg (NM_001406568.1, NM_001406569.1, NM_001406570.1 and 22 more transcripts); c.311A>G, p.Gln104Arg (NM_001406584.1, NM_001406585.1, NM_001406586.1 and 2 more transcripts); c.333+7626A>G (NM_001406589.1); short protein forms Q104R, Q132R.
Identifiers: ClinVar variation 4703660 (VCV004703660.1).